The following is an entry in ClinVar:

NM_006348.5(COG5):c.1674A>C (p.Gln558His)

Genes: COG5 (component of oligomeric golgi complex 5; minus strand), LOC129389837 (MPRA-validated peak6677 silencer; plus strand). Cytogenetic location: 7q22.3.
Variant type: single nucleotide variant.
Coding change: c.1674A>C on transcript NM_006348.5 (MANE Select); coding-DNA position 1674, A replaced by C.
Protein change: p.Gln558His; replaces glutamine 558 with histidine.
Molecular consequence: missense variant. On other transcripts: intron variant (1).
Genome position (GRCh38, 1-based): chr7:107,258,285, T>G on the plus strand (A>C on the coding strand, the complement: COG5 is on the minus strand). VCF-style: chr7-107258285-T-G. GRCh37 (hg19) VCF-style: chr7-106898730-T-G.
Other names: c.1674A>C, p.Gln558His (NM_001161520.2, NM_001379513.1, NM_001379514.1 and 1 more transcripts); c.1512A>C, p.Gln504His (NM_001379511.1); c.1104A>C, p.Gln368His (NM_001379515.1); c.960A>C, p.Gln320His (NM_001379516.1); c.1576-9786A>C (NM_001379512.1); short protein forms Q320H, Q368H, Q558H, Q504H.
Identifiers: ClinVar variation 2089665 (VCV002089665.4), dbSNP rs886446997, ClinGen allele CA368940909.

ClinVar aggregate classification (germline): Uncertain significance (1 of 4 stars; one submission).

Conditions:
COG5-congenital disorder of glycosylation. Also called: COG5-CDG; CDG IIi; CONGENITAL DISORDER OF GLYCOSYLATION, TYPE IIi. Identifiers: Orphanet 263487, MedGen C3150876, MONDO:0013325, OMIM 613612.

Allele frequency attached by ClinVar (database versions not stated): gnomAD exomes below 0.00001.
gnomAD v4.1: 2 of 1,600,058 alleles (0.00012%); highest among the groups gnomAD compares: Non-Finnish European, 0.00017%; no homozygotes.

Submission:

Labcorp Genetics (formerly Invitae), Labcorp
Classification: Uncertain significance for COG5-congenital disorder of glycosylation. Last evaluated: 2022-07-20. Review status: criteria provided, single submitter. Criteria: Invitae Variant Classification Sherloc (09022015). Collection method: clinical testing. Allele origin: germline.
Comment: This variant has not been reported in the literature in individuals affected with COG5-related conditions. This variant is present in population databases (no rsID available, gnomAD 0.0009%). This sequence change replaces glutamine, which is neutral and polar, with histidine, which is basic and polar, at codon 589 of the COG5 protein (p.Gln589His). In summary, the available evidence is currently insufficient to determine the role of this variant in disease. Therefore, it has been classified as a Variant of Uncertain Significance. Algorithms developed to predict the effect of missense changes on protein structure and function (SIFT, PolyPhen-2, Align-GVGD) all suggest that this variant is likely to be tolerated.